The following is an entry in ClinVar:

ClinVar aggregate classification (germline): Uncertain significance. Review status: criteria provided, multiple submitters, no conflicts (2 of 4 stars). 2 submissions from 2 submitters: Uncertain significance (2). Last evaluated 2026-01-13.

Allele frequency attached by ClinVar (database versions not stated): gnomAD 0.00001; TOPMed 0.00001.
gnomAD v4.1: 6 of 1,599,600 alleles (0.00038%); highest among the groups gnomAD compares: South Asian, 0.0033%; no homozygotes.

Submissions (2):

Ambry Genetics
Classification: Uncertain significance. Last evaluated: 2026-01-13. Review status: criteria provided, single submitter. Criteria: Ambry Variant Classification Scheme 2023. Collection method: clinical testing. Allele origin: germline.
Comment: The p.C261R variant (also known as c.781T>C), located in coding exon 6 of the GEN1 gene, results from a T to C substitution at nucleotide position 781. The cysteine at codon 261 is replaced by arginine, an amino acid with highly dissimilar properties. This amino acid position is conserved. In addition, this alteration is predicted to be deleterious by in silico analysis. Based on the available evidence, the clinical significance of this variant remains unclear.

Labcorp Genetics (formerly Invitae), Labcorp
Classification: Uncertain significance. Last evaluated: 2023-02-16. Review status: criteria provided, single submitter. Criteria: Invitae Variant Classification Sherloc (09022015). Collection method: clinical testing. Allele origin: germline.
Comment: In summary, the available evidence is currently insufficient to determine the role of this variant in disease. Therefore, it has been classified as a Variant of Uncertain Significance. An algorithm developed to predict the effect of missense changes on protein structure and function (PolyPhen-2) suggests that this variant is likely to be disruptive. This variant has not been reported in the literature in individuals affected with GEN1-related conditions. This variant is present in population databases (no rsID available, gnomAD 0.003%). This sequence change replaces cysteine, which is neutral and slightly polar, with arginine, which is basic and polar, at codon 261 of the GEN1 protein (p.Cys261Arg).

NM_001130009.3(GEN1):c.781T>C (p.Cys261Arg)

Gene: GEN1 (GEN1 structure-specific endonuclease; plus strand). Cytogenetic location: 2p24.2.
Variant type: single nucleotide variant.
Coding change: c.781T>C on transcript NM_001130009.3 (MANE Select); coding-DNA position 781, T replaced by C.
Protein change: p.Cys261Arg; replaces cysteine 261 with arginine.
Molecular consequence: missense variant.
Genome position (GRCh38, 1-based): chr2:17,771,266, T>C. VCF-style: chr2-17771266-T-C. GRCh37 (hg19) VCF-style: chr2-17952533-T-C.
Other names: c.781T>C, p.Cys261Arg (NM_182625.5); c.781T>C (NM_001130009.1); short protein forms C261R.
Identifiers: ClinVar variation 3021665 (VCV003021665.4), dbSNP rs779077977, ClinGen allele CA345915168.